The following is an entry in ClinVar:

ClinVar aggregate classification (germline): Uncertain significance (1 of 4 stars; one submission).

gnomAD v4.1: 18 of 1,200,922 alleles (0.0015%); highest among the groups gnomAD compares: Non-Finnish European, 0.0017%; no homozygotes.

Submission:

Labcorp Genetics (formerly Invitae), Labcorp
Classification: Uncertain significance. Last evaluated: 2025-07-13. Review status: criteria provided, single submitter. Criteria: Invitae Variant Classification Sherloc (09022015). Collection method: clinical testing. Allele origin: germline.
Comment: This sequence change replaces arginine, which is basic and polar, with tryptophan, which is neutral and slightly polar, at codon 30 of the ADCY1 protein (p.Arg30Trp). This variant is present in population databases (no rsID available, gnomAD 0.01%). This variant has not been reported in the literature in individuals affected with ADCY1-related conditions. ClinVar contains an entry for this variant (Variation ID: 3629419). An algorithm developed to predict the effect of missense changes on protein structure and function outputs the following: PolyPhen-2: "Benign". The tryptophan amino acid residue is found in multiple mammalian species, which suggests that this missense change does not adversely affect protein function. In summary, the available evidence is currently insufficient to determine the role of this variant in disease. Therefore, it has been classified as a Variant of Uncertain Significance.

NM_021116.4(ADCY1):c.88C>T (p.Arg30Trp)

Gene: ADCY1 (adenylate cyclase 1; plus strand). Cytogenetic location: 7p12.3.
Variant type: single nucleotide variant.
Coding change: c.88C>T on transcript NM_021116.4 (MANE Select); coding-DNA position 88, C replaced by T.
Protein change: p.Arg30Trp; replaces arginine 30 with tryptophan.
Molecular consequence: missense variant. On other transcripts: intron variant (1).
Genome position (GRCh38, 1-based): chr7:45,574,631, C>T. VCF-style: chr7-45574631-C-T. GRCh37 (hg19) VCF-style: chr7-45614230-C-T.
Other names: c.-330-258C>T (NM_001281768.2); short protein forms R30W.
Identifiers: ClinVar variation 3629419 (VCV003629419.2).